The following is an entry in ClinVar:

NM_032242.4(PLXNA1):c.365A>G (p.Tyr122Cys)

Gene: PLXNA1 (plexin A1; plus strand). Cytogenetic location: 3q21.3.
Variant type: single nucleotide variant.
Coding change: c.365A>G on transcript NM_032242.4 (MANE Select); coding-DNA position 365, A replaced by G.
Protein change: p.Tyr122Cys; replaces tyrosine 122 with cysteine.
Molecular consequence: missense variant.
Genome position (GRCh38, 1-based): chr3:126,988,958, A>G. VCF-style: chr3-126988958-A-G. GRCh37 (hg19) VCF-style: chr3-126707801-A-G.
Other names: short protein forms Y122C.
Identifiers: ClinVar variation 3347200 (VCV003347200.2).

ClinVar aggregate classification (germline): Uncertain significance. Review status: criteria provided, single submitter (1 of 4 stars). 2 submissions from 2 submitters: Uncertain significance (1). 1 of the submissions does not count toward it. Last evaluated 2022-05-31.

Conditions:
PLXNA1-related disorder. Also called: PLXNA1-related condition.

gnomAD v4.1: 21 of 1,613,234 alleles (0.0013%); highest among the groups gnomAD compares: Non-Finnish European, 0.0018%; no homozygotes.

Submissions (2):

Blueprint Genetics
Classification: Uncertain significance. Last evaluated: 2022-05-31. Review status: criteria provided, single submitter. Criteria: ACMG Guidelines, 2015. Collection method: clinical testing. Allele origin: germline.

PreventionGenetics, part of Exact Sciences
Classification: Uncertain significance for PLXNA1-related condition. Last evaluated: 2024-04-12. Review status: no assertion criteria provided. Collection method: clinical testing. Allele origin: germline. Not counted in ClinVar's aggregate classification.
Comment: The PLXNA1 c.365A>G variant is predicted to result in the amino acid substitution p.Tyr122Cys. To our knowledge, this variant has not been reported in the literature or in a large population database, indicating this variant is rare. At this time, the clinical significance of this variant is uncertain due to the absence of conclusive functional and genetic evidence.